The following is an entry in ClinVar:

ClinVar aggregate classification (germline): Uncertain significance. Review status: criteria provided, multiple submitters, no conflicts (2 of 4 stars). 2 submissions from 2 submitters: Uncertain significance (2). Last evaluated 2025-07-25.

Conditions:
Primary ciliary dyskinesia. Also called: Ciliary dyskinesia. Identifiers: Orphanet 244, MedGen C0008780, MONDO:0016575, HP:0012265.

Submissions (2):

Labcorp Genetics (formerly Invitae), Labcorp
Classification: Uncertain significance for Primary ciliary dyskinesia. Last evaluated: 2025-07-25. Review status: criteria provided, single submitter. Criteria: Invitae Variant Classification Sherloc (09022015). Collection method: clinical testing. Allele origin: germline.
Comment: This sequence change replaces asparagine, which is neutral and polar, with histidine, which is basic and polar, at codon 861 of the CCDC40 protein (p.Asn861His). This variant is not present in population databases (gnomAD no frequency). This variant has not been reported in the literature in individuals affected with CCDC40-related conditions. ClinVar contains an entry for this variant (Variation ID: 3486716). Invitae Evidence Modeling of protein sequence and biophysical properties (such as structural, functional, and spatial information, amino acid conservation, physicochemical variation, residue mobility, and thermodynamic stability) has been performed for this missense variant. However, the output from this modeling did not meet the statistical confidence thresholds required to predict the impact of this variant on CCDC40 protein function. In summary, the available evidence is currently insufficient to determine the role of this variant in disease. Therefore, it has been classified as a Variant of Uncertain Significance.

Ambry Genetics
Classification: Uncertain significance for Primary ciliary dyskinesia. Last evaluated: 2024-12-07. Review status: criteria provided, single submitter. Criteria: Ambry Variant Classification Scheme 2023. Collection method: clinical testing. Allele origin: germline.

NM_017950.4(CCDC40):c.2581A>C (p.Asn861His)

Gene: CCDC40 (coiled-coil domain 40 molecular ruler complex subunit; plus strand). Cytogenetic location: 17q25.3.
Variant type: single nucleotide variant.
Coding change: c.2581A>C on transcript NM_017950.4 (MANE Select); coding-DNA position 2581, A replaced by C.
Protein change: p.Asn861His; replaces asparagine 861 with histidine.
Molecular consequence: missense variant.
Genome position (GRCh38, 1-based): chr17:80,087,738, A>C. VCF-style: chr17-80087738-A-C. GRCh37 (hg19) VCF-style: chr17-78061537-A-C.
Other names: c.2581A>C, p.Asn861His (NM_001243342.2); short protein forms N861H.
Identifiers: ClinVar variation 3486716 (VCV003486716.2).
Genomic context (GRCh38, chr17:80,087,738, plus strand): 5'-AAGAAGCTCAACATGTTGATGAATAAAAACCGGTGCAGCTCGGAGGAGCTGGAGCAGAAC[A>C]ACCGGGTGACAGAGAATGAGTTCGTGCGCTCGCTGAAGGTCCGGCCGTGTCCACGCAGTC-3'
Protein context (NP_060420.2, residues 851-871): RCSSEELEQN[Asn861His]RVTENEFVRS